The following is an entry in ClinVar:

NM_004260.4(RECQL4):c.1922_1923del (p.Thr641fs)

Gene: RECQL4 (RecQ like helicase 4; minus strand). Cytogenetic location: 8q24.3.
Variant type: Microsatellite.
Coding change: c.1922_1923del on transcript NM_004260.4 (MANE Select); coding-DNA positions 1922 to 1923, 2 bases deleted (CA; older notation c.1922_1923delCA).
Protein change: p.Thr641fs; shifts the reading frame from threonine 641.
Molecular consequence: frameshift variant.
Genome position (GRCh38, 1-based): chr8:144,514,063-144,514,064, TG deleted on the plus strand (CA on the coding strand, the reverse complement: RECQL4 is on the minus strand); deleting any 2 consecutive bases within chr8:144,514,063-144,514,066 gives the same sequence; the c. name uses the placement nearest the transcript's 3' end. VCF-style (leftmost placement, unchanged base first): chr8-144514062-CTG-C. GRCh37 (hg19) VCF-style: chr8-145739446-CTG-C.
Other names: short protein forms T641fs.
Identifiers: ClinVar variation 1076095 (VCV001076095.5), dbSNP rs1827788039, ClinGen allele CA1826367279.

ClinVar aggregate classification (germline): Pathogenic (1 of 4 stars; one submission).

Conditions:
Baller-Gerold syndrome (BGS). Also called: CRANIOSYNOSTOSIS WITH RADIAL DEFECTS. Identifiers: Orphanet 1225, MedGen C0265308, MONDO:0009039, OMIM 218600.

Submission:

Labcorp Genetics (formerly Invitae), Labcorp
Classification: Pathogenic for Baller-Gerold syndrome. Last evaluated: 2024-03-07. Review status: criteria provided, single submitter. Criteria: Invitae Variant Classification Sherloc (09022015). Collection method: clinical testing. Allele origin: germline.
Comment: This sequence change creates a premature translational stop signal (p.Thr641Serfs*10) in the RECQL4 gene. It is expected to result in an absent or disrupted protein product. Loss-of-function variants in RECQL4 are known to be pathogenic (PMID: 12734318, 12952869). This variant is not present in population databases (gnomAD no frequency). This variant has not been reported in the literature in individuals affected with RECQL4-related conditions. For these reasons, this variant has been classified as Pathogenic.

Literature cited by the submitters: PubMed 12734318; PubMed 12952869.